The following is an entry in ClinVar:

NM_206933.4(USH2A):c.11547T>C (p.Asn3849=)

Gene: USH2A (usherin; minus strand). Cytogenetic location: 1q41.
Variant type: single nucleotide variant.
Coding change: c.11547T>C on transcript NM_206933.4 (MANE Select); coding-DNA position 11547, T replaced by C.
Protein change: p.Asn3849=; no amino-acid change (asparagine 3849 retained).
Molecular consequence: synonymous variant.
Genome position (GRCh38, 1-based): chr1:215,743,178, A>G on the plus strand (T>C on the coding strand, the complement: USH2A is on the minus strand). VCF-style: chr1-215743178-A-G. GRCh37 (hg19) VCF-style: chr1-215916520-A-G.
Identifiers: ClinVar variation 2058491 (VCV002058491.3), dbSNP rs531240074, ClinGen allele CA1393690.

ClinVar aggregate classification (germline): Uncertain significance (1 of 4 stars; one submission).

Allele frequency attached by ClinVar (database versions not stated): ExAC 0.00001; gnomAD 0.00001; 1000 Genomes Project 0.00020; 1000 Genomes Project 30x 0.00031.
gnomAD v4.1: 1 of 1,609,350 alleles (0.000062%); highest among the groups gnomAD compares: Admixed American, 0.0017%; no homozygotes.

Submission:

Labcorp Genetics (formerly Invitae), Labcorp
Classification: Uncertain significance. Last evaluated: 2024-07-29. Review status: criteria provided, single submitter. Criteria: Invitae Variant Classification Sherloc (09022015). Collection method: clinical testing. Allele origin: germline.
Comment: This sequence change affects codon 3849 of the USH2A mRNA. It is a 'silent' change, meaning that it does not change the encoded amino acid sequence of the USH2A protein. It affects a nucleotide within the consensus splice site. This variant is present in population databases (rs531240074, gnomAD 0.003%). This variant has not been reported in the literature in individuals affected with USH2A-related conditions. ClinVar contains an entry for this variant (Variation ID: 2058491). Algorithms developed to predict the effect of sequence changes on RNA splicing suggest that this variant is not likely to affect RNA splicing. In summary, the available evidence is currently insufficient to determine the role of this variant in disease. Therefore, it has been classified as a Variant of Uncertain Significance.